The following is an entry in ClinVar:

ClinVar aggregate classification (germline): Likely benign. Review status: criteria provided, multiple submitters, no conflicts (2 of 4 stars). 2 submissions from 2 submitters: Likely benign (2). Last evaluated 2026-01-05.

Conditions:
Brugada syndrome. Also called: Sudden Unexplained Death Syndrome; Sudden Unexplained Nocturnal Death Syndrome (SUNDS); Sudden unexplained nocturnal death syndrome; Sudden unexpected nocturnal death syndrome. Identifiers: Orphanet 130, MedGen C1142166, MONDO:0015263.

Allele frequency attached by ClinVar (database versions not stated): ExAC 0.00007; gnomAD exomes 0.00012 and 0.00016; gnomAD 0.00022 and 0.00024; TOPMed 0.00022; ESP Exome Variant Server 0.00031.
gnomAD v4.1: 257 of 1,549,858 alleles (0.017%); highest among the groups gnomAD compares: African/African-American, 0.033%; no homozygotes.

Submissions (2):

Labcorp Genetics (formerly Invitae), Labcorp
Classification: Likely benign for Brugada syndrome. Last evaluated: 2026-01-05. Review status: criteria provided, single submitter. Criteria: Invitae Variant Classification Sherloc (09022015). Collection method: clinical testing. Allele origin: germline.

GeneDx
Classification: Likely benign. Last evaluated: 2017-03-17. Review status: criteria provided, single submitter. Criteria: GeneDx Variant Classification (06012015). Collection method: clinical testing. Allele origin: germline. Affected: yes.
Comment: This variant is considered likely benign or benign based on one or more of the following criteria: it is a conservative change, it occurs at a poorly conserved position in the protein, it is predicted to be benign by multiple in silico algorithms, and/or has population frequency not consistent with disease.

NM_000722.4(CACNA2D1):c.1516-14T>C

Gene: CACNA2D1 (calcium voltage-gated channel auxiliary subunit alpha2delta 1; minus strand). Cytogenetic location: 7q21.11.
Variant type: single nucleotide variant.
Coding change: c.1516-14T>C on transcript NM_000722.4 (MANE Select); 14 bases into the intron before coding-DNA position 1516, T replaced by C.
Molecular consequence: intron variant.
Genome position (GRCh38, 1-based): chr7:82,005,511, A>G on the plus strand (T>C on the coding strand, the complement: CACNA2D1 is on the minus strand). VCF-style: chr7-82005511-A-G. GRCh37 (hg19) VCF-style: chr7-81634827-A-G.
Other names: c.1516-14T>C (LRG_437t1, NM_001366867.1).
Identifiers: ClinVar variation 507896 (VCV000507896.5), dbSNP rs375141743, ClinGen allele CA4318011.
Genomic context (GRCh38, chr7:82,005,511, plus strand): 5'-ACATAACCATTAGGATCGATTGCAAAGTAATACCCATTGGGGCACAGCTGGAAAAGAAAA[A>G]AAAAAAAAAGCTTGGATATGCCTGAGTCACAATTAGAAATCTATATTCTTTTAAATACAT-3'